The following is an entry in ClinVar:

NC_000004.12:g.(?_3485529)_(3493511_?)del

Genes: DOK7 (docking protein 7; plus strand), LOC129992118 (ATAC-STARR-seq lymphoblastoid silent region 15206; plus strand), LOC126806951 (CDK7 strongly-dependent group 2 enhancer GRCh37_chr4:3486115-3487314; plus strand). Cytogenetic location: 4p16.3.
Variant type: Deletion.
Identifiers: ClinVar variation 644832 (VCV000644832.3).

ClinVar aggregate classification (germline): Pathogenic (1 of 4 stars; one submission).

Conditions:
Fetal akinesia deformation sequence 1 (FADS1). Also called: Pena-Shokeir syndrome type I; Fetal akinesia sequence. Identifiers: Orphanet 994, MedGen C1276035, MONDO:0100101, OMIM 208150, HP:0001989.
Congenital myasthenic syndrome 10. Also called: Myasthenia, limb-girdle, familial. Identifiers: Orphanet 590, MedGen C1850792, MONDO:0009690, OMIM 254300.

Submission:

Labcorp Genetics (formerly Invitae), Labcorp
Classification: Pathogenic for Congenital myasthenic syndrome 10; Fetal akinesia deformation sequence 1. Last evaluated: 2022-02-24. Review status: criteria provided, single submitter. Criteria: Invitae Variant Classification Sherloc (09022015). Collection method: clinical testing. Allele origin: germline.
Comment: This variant is a gross deletion of the genomic region encompassing exon(s) 5-7 of the DOK7 gene, which includes the termination codon. This deletion extends beyond the assayed region for this gene and therefore may encompass additional genes. While this deletion is not anticipated to lead to nonsense mediated decay, it is expected to alter mRNA translation or result in a truncated protein product. A similar copy number variant has been observed in individual(s) with autosomal recessive congenital myasthenic syndrome (PMID: 16917026). In at least one individual the data is consistent with being in trans (on the opposite chromosome) from a pathogenic variant. Algorithms developed to predict the effect of variants on protein structure and function are not available or were not evaluated for this variant. Experimental studies have shown that a similar copy number variant affects DOK7 function (PMID: 16917026, 18165682). For these reasons, this variant has been classified as Pathogenic.

Literature cited by the submitters: PubMed 16917026; PubMed 18165682.